The following is an entry in ClinVar:

ClinVar aggregate classification (germline): Uncertain significance (1 of 4 stars; one submission).

Submission:

Labcorp Genetics (formerly Invitae), Labcorp
Classification: Uncertain significance. Last evaluated: 2022-04-06. Review status: criteria provided, single submitter. Criteria: Invitae Variant Classification Sherloc (09022015). Collection method: clinical testing. Allele origin: germline.
Comment: This sequence change replaces threonine, which is neutral and polar, with isoleucine, which is neutral and non-polar, at codon 443 of the LRP2 protein (p.Thr443Ile). This variant is not present in population databases (gnomAD no frequency). This variant has not been reported in the literature in individuals affected with LRP2-related conditions. Advanced modeling of protein sequence and biophysical properties (such as structural, functional, and spatial information, amino acid conservation, physicochemical variation, residue mobility, and thermodynamic stability) performed at Invitae indicates that this missense variant is not expected to disrupt LRP2 protein function. In summary, the available evidence is currently insufficient to determine the role of this variant in disease. Therefore, it has been classified as a Variant of Uncertain Significance.

NM_004525.3(LRP2):c.1328C>T (p.Thr443Ile)

Gene: LRP2 (LDL receptor related protein 2; minus strand). Cytogenetic location: 2q31.1.
Variant type: single nucleotide variant.
Coding change: c.1328C>T on transcript NM_004525.3 (MANE Select); coding-DNA position 1328, C replaced by T.
Protein change: p.Thr443Ile; replaces threonine 443 with isoleucine.
Molecular consequence: missense variant.
Genome position (GRCh38, 1-based): chr2:169,280,363, G>A on the plus strand (C>T on the coding strand, the complement: LRP2 is on the minus strand). VCF-style: chr2-169280363-G-A. GRCh37 (hg19) VCF-style: chr2-170136873-G-A.
Other names: short protein forms T443I.
Identifiers: ClinVar variation 2121963 (VCV002121963.1), dbSNP rs2528518238, ClinGen allele CA349149734.